The following is an entry in ClinVar:

ClinVar aggregate classification (germline): Likely pathogenic (1 of 4 stars; one submission).

Conditions:
Multiple mitochondrial dysfunctions syndrome 6. Identifiers: Orphanet 569290, MedGen C4693741, MONDO:0054785, OMIM 617954.

Allele frequency attached by ClinVar (database versions not stated): gnomAD exomes below 0.00001; TOPMed 0.00001; ExAC 0.00001; gnomAD 0.00001.
gnomAD v4.1: 3 of 1,613,942 alleles (0.00019%); highest among the groups gnomAD compares: African/African-American, 0.0027%; no homozygotes.

Submission:

New York Genome Center
Classification: Likely pathogenic for Multiple mitochondrial dysfunctions syndrome 6. Last evaluated: 2021-03-24. Review status: criteria provided, single submitter. Criteria: NYGC Assertion Criteria 2020. Collection method: clinical testing. Allele origin: germline. Observed: 1 variant allele. Study: CSER-NYCKidSeq.
Comment: The heterozygous c.606T>A (p.Tyr202Ter) stop-gained variant identified in exon 5 (of 13) of the PMPCB gene has not been reportedin affected individualsin the literature. The variant creates a premature translation termination codon and is predicted to cause loss of normal protein function either through protein truncation or nonsense-mediated mRNA decay. The variant has 0.00001314 allele frequency in the gnomAD(v3) database (2 out of 152216 heterozygous alleles, no homozygotes) suggesting it is not a common benign variant in the populations represented in that database. Based on the available evidence, the heterozygous c.606T>A (p.Tyr202Ter) stop-gained variant identified in the PMPCB gene is reported as likely pathogenic.

NM_004279.3(PMPCB):c.606T>A (p.Tyr202Ter)

Gene: PMPCB (peptidase, mitochondrial processing subunit beta; plus strand). Cytogenetic location: 7q22.1.
Variant type: single nucleotide variant.
Coding change: c.606T>A on transcript NM_004279.3 (MANE Select); coding-DNA position 606, T replaced by A.
Protein change: p.Tyr202Ter; replaces tyrosine 202 with a stop codon.
Molecular consequence: nonsense.
Genome position (GRCh38, 1-based): chr7:103,303,990, T>A. VCF-style: chr7-103303990-T-A. GRCh37 (hg19) VCF-style: chr7-102944437-T-A.
Other names: short protein forms Y202*.
Identifiers: ClinVar variation 1342344 (VCV001342344.1), dbSNP rs748505216, ClinGen allele CA4418002.